The following is an entry in ClinVar:

NM_016169.4(SUFU):c.694C>G (p.Pro232Ala)

Gene: SUFU (SUFU negative regulator of hedgehog signaling; plus strand). Cytogenetic location: 10q24.32.
Variant type: single nucleotide variant.
Coding change: c.694C>G on transcript NM_016169.4 (MANE Select); coding-DNA position 694, C replaced by G.
Protein change: p.Pro232Ala; replaces proline 232 with alanine.
Molecular consequence: missense variant.
Genome position (GRCh38, 1-based): chr10:102,594,003, C>G. VCF-style: chr10-102594003-C-G. GRCh37 (hg19) VCF-style: chr10-104353760-C-G.
Other names: c.694C>G, p.Pro232Ala (NM_001178133.2); short protein forms P232A.
Identifiers: ClinVar variation 946804 (VCV000946804.13), dbSNP rs1060501110, ClinGen allele CA377909729.
Genomic context (GRCh38, chr10:102,594,003, plus strand): 5'-ATCAGCCCCAGACCCTCAGTTACCATTGTATCCCCTTTCCTTGTCCACAGTGCTGGCGGC[C>G]CCTGGCTGATAACTGACATGCGGAGGGGAGAGACCATATTTGAGATCGATCCACACCTGC-3'
Protein context (NP_057253.2, residues 222-242): LLRTVPIAGG[Pro232Ala]WLITDMRRGE

ClinVar aggregate classification (germline): Uncertain significance. Review status: criteria provided, multiple submitters, no conflicts (2 of 4 stars). 3 submissions from 3 submitters: Uncertain significance (3). Last evaluated 2023-12-07.

Conditions:
Familial meningioma. Also called: Meningioma, familial, susceptibility to. Identifiers: Orphanet 263662, MedGen C3551915, MONDO:0011789, OMIM 607174.
Hereditary cancer-predisposing syndrome. Also called: Neoplastic Syndromes, Hereditary; Hereditary neoplastic syndrome; Hereditary Cancer Syndrome; Tumor predisposition. Identifiers: Orphanet 140162, MedGen C0027672, MeSH D009386, MONDO:0015356.
Medulloblastoma (MDB). Also called: Medulloblastoma, somatic; MEDULLOBLASTOMA PREDISPOSITION SYNDROME. Identifiers: Orphanet 616, MedGen C0025149, MeSH D008527, MONDO:0007959, OMIM 155255, HP:0002885.
Gorlin syndrome. Also called: Nevoid Basal Cell Carcinoma Syndrome; Basal cell nevus syndrome. Identifiers: Orphanet 377, MedGen C0004779, MONDO:0007187.

gnomAD v4.1: 1 of 1,614,164 alleles (0.000062%); highest among the groups gnomAD compares: Non-Finnish European, 0.000085%; no homozygotes.

Submissions (3):

Ambry Genetics
Classification: Uncertain significance for Hereditary cancer-predisposing syndrome. Last evaluated: 2023-12-07. Review status: criteria provided, single submitter. Criteria: Ambry Variant Classification Scheme 2023. Collection method: clinical testing. Allele origin: germline.
Comment: The p.P232A variant (also known as c.694C>G), located in coding exon 6 of the SUFU gene, results from a C to G substitution at nucleotide position 694. The proline at codon 232 is replaced by alanine, an amino acid with highly similar properties. This amino acid position is highly conserved in available vertebrate species. In addition, the in silico prediction for this alteration is inconclusive. Since supporting evidence is limited at this time, the clinical significance of this alteration remains unclear.

Baylor Genetics
Classification: Uncertain significance for Familial meningioma. Last evaluated: 2023-05-05. Review status: criteria provided, single submitter. Criteria: ACMG Guidelines, 2015. Collection method: clinical testing. Allele origin: unknown.

Labcorp Genetics (formerly Invitae), Labcorp
Classification: Uncertain significance for Gorlin syndrome; Medulloblastoma. Last evaluated: 2019-04-26. Review status: criteria provided, single submitter. Criteria: Invitae Variant Classification Sherloc (09022015). Collection method: clinical testing. Allele origin: germline.
Comment: In summary, the available evidence is currently insufficient to determine the role of this variant in disease. Therefore, it has been classified as a Variant of Uncertain Significance. Algorithms developed to predict the effect of missense changes on protein structure and function (SIFT, PolyPhen-2, Align-GVGD) all suggest that this variant is likely to be tolerated, but these predictions have not been confirmed by published functional studies and their clinical significance is uncertain. This variant has not been reported in the literature in individuals with SUFU-related conditions. This variant is not present in population databases (ExAC no frequency). This sequence change replaces proline with alanine at codon 232 of the SUFU protein (p.Pro232Ala). The proline residue is highly conserved and there is a small physicochemical difference between proline and alanine.